The following is an entry in ClinVar:

NM_001692.4(ATP6V1B1):c.438T>A (p.Asp146Glu)

Gene: ATP6V1B1 (ATPase H+ transporting V1 subunit B1; plus strand). Cytogenetic location: 2p13.3.
Variant type: single nucleotide variant.
Coding change: c.438T>A on transcript NM_001692.4 (MANE Select); coding-DNA position 438, T replaced by A.
Protein change: p.Asp146Glu; replaces aspartic acid 146 with glutamic acid.
Molecular consequence: missense variant.
Genome position (GRCh38, 1-based): chr2:70,959,088, T>A. VCF-style: chr2-70959088-T-A. GRCh37 (hg19) VCF-style: chr2-71186218-T-A.
Other names: short protein forms D146E.
Identifiers: ClinVar variation 2007114 (VCV002007114.4), dbSNP rs2104826477, ClinGen allele CA347181677.

ClinVar aggregate classification (germline): Uncertain significance (1 of 4 stars; one submission).

Submission:

Labcorp Genetics (formerly Invitae), Labcorp
Classification: Uncertain significance. Last evaluated: 2022-10-13. Review status: criteria provided, single submitter. Criteria: Invitae Variant Classification Sherloc (09022015). Collection method: clinical testing. Allele origin: germline.
Comment: In summary, the available evidence is currently insufficient to determine the role of this variant in disease. Therefore, it has been classified as a Variant of Uncertain Significance. Advanced modeling of protein sequence and biophysical properties (such as structural, functional, and spatial information, amino acid conservation, physicochemical variation, residue mobility, and thermodynamic stability) performed at Invitae indicates that this missense variant is not expected to disrupt ATP6V1B1 protein function. This variant has not been reported in the literature in individuals affected with ATP6V1B1-related conditions. This variant is not present in population databases (gnomAD no frequency). This sequence change replaces aspartic acid, which is acidic and polar, with glutamic acid, which is acidic and polar, at codon 146 of the ATP6V1B1 protein (p.Asp146Glu).